The following is an entry in ClinVar:

ClinVar aggregate classification (germline): Uncertain significance (1 of 4 stars; one submission).

Conditions:
Distal hereditary motor neuropathy type 2. Identifiers: Orphanet 139525, MedGen C3711384, MeSH C580044, MONDO:0015352.

Submission:

Labcorp Genetics (formerly Invitae), Labcorp
Classification: Uncertain significance for Distal hereditary motor neuropathy type 2. Last evaluated: 2020-01-22. Review status: criteria provided, single submitter. Criteria: Invitae Variant Classification Sherloc (09022015). Collection method: clinical testing. Allele origin: germline.
Comment: In summary, the available evidence is currently insufficient to determine the role of this variant in disease. Therefore, it has been classified as a Variant of Uncertain Significance. This sequence change replaces asparagine with serine at codon 561 of the FBXO38 protein (p.Asn561Ser). The asparagine residue is weakly conserved and there is a small physicochemical difference between asparagine and serine. This variant is not present in population databases (ExAC no frequency). This variant has not been reported in the literature in individuals with FBXO38-related disease. Algorithms developed to predict the effect of missense changes on protein structure and function (SIFT, PolyPhen-2, Align-GVGD) all suggest that this variant is likely to be tolerated, but these predictions have not been confirmed by published functional studies and their clinical significance is uncertain.

NM_205836.3(FBXO38):c.1682A>G (p.Asn561Ser)

Gene: FBXO38 (F-box protein 38; plus strand). Cytogenetic location: 5q32.
Variant type: single nucleotide variant.
Coding change: c.1682A>G on transcript NM_205836.3 (MANE Select); coding-DNA position 1682, A replaced by G.
Protein change: p.Asn561Ser; replaces asparagine 561 with serine.
Molecular consequence: missense variant.
Genome position (GRCh38, 1-based): chr5:148,424,061, A>G. VCF-style: chr5-148424061-A-G. GRCh37 (hg19) VCF-style: chr5-147803624-A-G.
Other names: c.1682A>G, p.Asn561Ser (NM_001271723.2, NM_030793.5); short protein forms N561S.
Identifiers: ClinVar variation 541004 (VCV000541004.10), dbSNP rs1554081337, ClinGen allele CA361654502.